The following is an entry in ClinVar:

ClinVar aggregate classification (germline): Uncertain significance (1 of 4 stars; one submission).

Conditions:
Inborn genetic diseases. Identifiers: MedGen C0950123, MeSH D030342.

Submission:

Ambry Genetics
Classification: Uncertain significance for Inborn genetic diseases. Last evaluated: 2024-12-09. Review status: criteria provided, single submitter. Criteria: Ambry Variant Classification Scheme 2023. Collection method: clinical testing. Allele origin: germline.
Comment: The p.S302F variant (also known as c.905C>T), located in coding exon 9 of the DDX41 gene, results from a C to T substitution at nucleotide position 905. The serine at codon 302 is replaced by phenylalanine, an amino acid with highly dissimilar properties. This amino acid position is conserved. In addition, this alteration is predicted to be deleterious by in silico analysis. Based on the available evidence, the clinical significance of this variant remains unclear.

NM_016222.4(DDX41):c.905C>T (p.Ser302Phe)

Gene: DDX41 (DEAD-box helicase 41; minus strand). Cytogenetic location: 5q35.3.
Variant type: single nucleotide variant.
Coding change: c.905C>T on transcript NM_016222.4 (MANE Select); coding-DNA position 905, C replaced by T.
Protein change: p.Ser302Phe; replaces serine 302 with phenylalanine.
Molecular consequence: missense variant.
Genome position (GRCh38, 1-based): chr5:177,514,731, G>A on the plus strand (C>T on the coding strand, the complement: DDX41 is on the minus strand). VCF-style: chr5-177514731-G-A. GRCh37 (hg19) VCF-style: chr5-176941732-G-A.
Other names: c.527C>T, p.Ser176Phe (NM_001321732.2, NM_001321830.2); short protein forms S302F, S176F.
Identifiers: ClinVar variation 3500555 (VCV003500555.1).